The following is an entry in ClinVar:

ClinVar aggregate classification (germline): Likely pathogenic. Review status: criteria provided, multiple submitters, no conflicts (2 of 4 stars). 2 submissions from 2 submitters: Likely pathogenic (2). Last evaluated 2023-09-07.

Conditions:
Intellectual disability. Also called: Intellectual functioning disability; Intellectual developmental disorder; intellectual disabilities. Identifiers: MedGen C3714756, MeSH D008607, MONDO:0001071, HP:0001249.

Submissions (2):

GeneDx
Classification: Likely pathogenic. Last evaluated: 2023-09-07. Review status: criteria provided, single submitter. Criteria: GeneDx Variant Classification Process June 2021. Collection method: clinical testing. Allele origin: germline. Affected: yes.
Comment: Not observed at significant frequency in large population cohorts (gnomAD); In silico analysis supports that this missense variant has a deleterious effect on protein structure/function; This variant is associated with the following publications: (PMID: 34426522, 25512093, 25609763, 26100331, 36692009, 32656949, 27391121, 35099838, 36636459, 27331017)

Pediatric Genomics Discovery Program, Yale University
Classification: Likely pathogenic for Intellectual disability. Last evaluated: 2020-01-31. Review status: criteria provided, single submitter. Criteria: ACMG Guidelines, 2015. Collection method: research. Allele origin: de novo. Inheritance: Sporadic. Affected: yes. Observed: 1 heterozygote.
Comment: The Gly3658Glu variant in DYNC1H1 has been reported prior to this entry (Hertecant 2016) and was absent from large population studies. In summary, the Gly3658Glu variant meets criteria to be classified as likely pathogenic due to its de novo status (PS2), absence in controls (PM2), low frequency of missense variants in this gene whereas missense variants are common mechanism of disease (PP2), and multiple lines of computational evidence supporting deleterious effect (PP3). Additional supporting evidence is the variant's identification in mulitple unrelated individuals with very similar phenotypes, although with only two cases it may be difficult to use this as a strong level of evidence (or as an additional moderate criterion as phenotype is not highly specific).

NM_001376.5(DYNC1H1):c.10973G>A (p.Gly3658Glu)

Gene: DYNC1H1 (dynein cytoplasmic 1 heavy chain 1; plus strand). Cytogenetic location: 14q32.31.
Variant type: single nucleotide variant.
Coding change: c.10973G>A on transcript NM_001376.5 (MANE Select); coding-DNA position 10973, G replaced by A.
Protein change: p.Gly3658Glu; replaces glycine 3658 with glutamic acid.
Molecular consequence: missense variant.
Genome position (GRCh38, 1-based): chr14:102,038,524, G>A. VCF-style: chr14-102038524-G-A. GRCh37 (hg19) VCF-style: chr14-102504861-G-A.
Other names: short protein forms G3658E.
Identifiers: ClinVar variation 813289 (VCV000813289.3), dbSNP rs1595629181, ClinGen allele CA391031534.